The following is an entry in ClinVar:

ClinVar aggregate classification (germline): Benign. Review status: criteria provided, single submitter (1 of 4 stars). 2 submissions from 2 submitters: Benign (1). 1 of the submissions does not count toward it. Last evaluated 2024-09-10.

Conditions:
GRK1-related disorder. Also called: GRK1-related condition.

Allele frequency attached by ClinVar (database versions not stated): gnomAD exomes 0.00008; gnomAD 0.00021; ExAC 0.00025; TOPMed 0.00025; 1000 Genomes Project 30x 0.00078; 1000 Genomes Project 0.00080.
gnomAD v4.1: 148 of 1,515,564 alleles (0.0098%); highest among the groups gnomAD compares: East Asian, 0.33%; no homozygotes.

Submissions (2):

Blueprint Genetics
Classification: Benign. Last evaluated: 2024-09-10. Review status: criteria provided, single submitter. Criteria: ACMG Guidelines, 2015. Collection method: clinical testing. Allele origin: germline.

PreventionGenetics, part of Exact Sciences
Classification: Likely benign for GRK1-related condition. Last evaluated: 2019-06-26. Review status: no assertion criteria provided. Collection method: clinical testing. Allele origin: germline. Not counted in ClinVar's aggregate classification.
Comment: This variant is classified as likely benign based on ACMG/AMP sequence variant interpretation guidelines (Richards et al. 2015 PMID: 25741868, with internal and published modifications).

NM_002929.3(GRK1):c.1407G>A (p.Met469Ile)

Gene: GRK1 (G protein-coupled receptor kinase 1; plus strand). Cytogenetic location: 13q34.
Variant type: single nucleotide variant.
Coding change: c.1407G>A on transcript NM_002929.3 (MANE Select); coding-DNA position 1407, G replaced by A.
Protein change: p.Met469Ile; replaces methionine 469 with isoleucine.
Molecular consequence: missense variant.
Genome position (GRCh38, 1-based): chr13:113,735,078, G>A. VCF-style: chr13-113735078-G-A. GRCh37 (hg19) VCF-style: chr13-114438051-G-A.
Other names: short protein forms M469I.
Identifiers: ClinVar variation 3043523 (VCV003043523.3), dbSNP rs150958245, ClinGen allele CA7066353.